The following is an entry in ClinVar:

ClinVar aggregate classification (germline): Conflicting classifications of pathogenicity. Review status: criteria provided, conflicting classifications (1 of 4 stars). 8 submissions from 6 submitters: Uncertain significance (7); Likely benign (1). Last evaluated 2026-01-05.

Conditions:
Cryopyrin associated periodic syndrome (CAPS). Identifiers: Orphanet 208650, MedGen C2316212, MONDO:0016168.
Chronic infantile neurological, cutaneous and articular syndrome (CINCA). Also called: CINCA syndrome; CRYOPYRIN-ASSOCIATED PERIODIC SYNDROME 3; Prieur Griscelli syndrome; CHRONIC NEUROLOGIC CUTANEOUS AND ARTICULAR SYNDROME. Identifiers: Orphanet 1451, MedGen C0409818, MONDO:0011776, OMIM 607115.
Familial cold autoinflammatory syndrome 1 (FCAS1). Also called: Familial cold inflammatory syndrome 1; CRYOPYRIN-ASSOCIATED PERIODIC SYNDROME 1. Identifiers: Orphanet 47045, MedGen C4551895, MONDO:0007349, OMIM 120100.
Familial amyloid nephropathy with urticaria AND deafness (MWS). Also called: UDA SYNDROME; URTICARIA-DEAFNESS-AMYLOIDOSIS SYNDROME; MUCKLE-WELLS SYNDROME; CRYOPYRIN-ASSOCIATED PERIODIC SYNDROME 2; Urticaria, deafness and amyloidosis. Identifiers: Orphanet 575, MedGen C0268390, MONDO:0008633, OMIM 191900.

Allele frequency attached by ClinVar (database versions not stated): ExAC 0.00001; gnomAD exomes 0.00002 and 0.00008; gnomAD 0.00004 and 0.00005; TOPMed 0.00005.
gnomAD v4.1: 129 of 1,613,634 alleles (0.008%); highest among the groups gnomAD compares: Non-Finnish European, 0.01%; no homozygotes.

Submissions (8):

Labcorp Genetics (formerly Invitae), Labcorp
Classification: Uncertain significance for Cryopyrin associated periodic syndrome. Last evaluated: 2026-01-05. Review status: criteria provided, single submitter. Criteria: Invitae Variant Classification Sherloc (09022015). Collection method: clinical testing. Allele origin: germline.
Comment: This sequence change replaces threonine, which is neutral and polar, with alanine, which is neutral and non-polar, at codon 923 of the NLRP3 protein (p.Thr923Ala). This variant is present in population databases (rs200089542, gnomAD 0.009%). This variant has not been reported in the literature in individuals affected with NLRP3-related conditions. ClinVar contains an entry for this variant (Variation ID: 234451). Invitae Evidence Modeling of protein sequence and biophysical properties (such as structural, functional, and spatial information, amino acid conservation, physicochemical variation, residue mobility, and thermodynamic stability) indicates that this missense variant is not expected to disrupt NLRP3 protein function with a negative predictive value of 95%. In summary, the available evidence is currently insufficient to determine the role of this variant in disease. Therefore, it has been classified as a Variant of Uncertain Significance.

Women's Health and Genetics/Laboratory Corporation of America, LabCorp
Classification: Uncertain significance. Last evaluated: 2025-12-23. Review status: criteria provided, single submitter. Criteria: LabCorp Variant Classification Summary - May 2015. Collection method: clinical testing. Allele origin: germline.
Comment: Variant summary: NLRP3 c.2767A>G (p.Thr923Ala) results in a non-conservative amino acid change in the encoded protein sequence. Algorithms developed to predict the effect of missense changes on protein structure and function are either unavailable or do not agree on the potential impact of this missense change. The variant allele was found at a frequency of 2e-05 in 251488 control chromosomes (gnomAD). The available data on variant occurrences in the general population are insufficient to allow any conclusion about variant significance. To our knowledge, no occurrence of c.2767A>G in individuals affected with NLRP3-related conditions has been reported. At least one publication reports experimental evidence evaluating an impact on protein function. These results showed no damaging effect of this variant (Feng_2025). The following publication has been ascertained in the context of this evaluation (PMID: 39930093). ClinVar contains an entry for this variant (Variation ID: 234451). Based on the evidence outlined above, the variant was classified as uncertain significance.

CeGaT Center for Human Genetics Tuebingen
Classification: Uncertain significance. Last evaluated: 2023-03-01. Review status: criteria provided, single submitter. Criteria: CeGaT Center For Human Genetics Tuebingen Variant Classification Criteria Version 2. Collection method: clinical testing. Allele origin: germline. Affected: yes. Observed: 1 variant allele.
Comment: NLRP3: PM2:Supporting, BP4

Mayo Clinic Laboratories, Mayo Clinic
Classification: Uncertain significance. Last evaluated: 2023-02-15. Review status: criteria provided, single submitter. Criteria: ACMG Guidelines, 2015. Collection method: clinical testing. Allele origin: germline. Observed: 1 variant allele.
Comment: BP4

GeneDx
Classification: Likely benign. Last evaluated: 2020-10-01. Review status: criteria provided, single submitter. Criteria: GeneDx Variant Classification Process June 2021. Collection method: clinical testing. Allele origin: germline. Affected: yes.
Comment: In silico analysis supports that this missense variant does not alter protein structure/function; This variant is associated with the following publications: (PMID: 32082075)

Illumina Laboratory Services, Illumina
Classification: Uncertain significance for Familial amyloid nephropathy with urticaria AND deafness. Last evaluated: 2018-01-13. Review status: criteria provided, single submitter. Criteria: ICSL Variant Classification Criteria 13 December 2019. Collection method: clinical testing. Allele origin: germline.

Illumina Laboratory Services, Illumina
Classification: Uncertain significance for Chronic infantile neurological, cutaneous and articular syndrome. Last evaluated: 2018-01-13. Review status: criteria provided, single submitter. Criteria: ICSL Variant Classification Criteria 13 December 2019. Collection method: clinical testing. Allele origin: germline.

Illumina Laboratory Services, Illumina
Classification: Uncertain significance for Familial cold autoinflammatory syndrome 1. Last evaluated: 2018-01-13. Review status: criteria provided, single submitter. Criteria: ICSL Variant Classification Criteria 13 December 2019. Collection method: clinical testing. Allele origin: germline.

Literature cited by the submitters: PubMed 39930093 (cited by Women's Health and Genetics/Laboratory Corporation of America, LabCorp).

NM_001243133.2(NLRP3):c.2761A>G (p.Thr921Ala)

Gene: NLRP3 (NLR family pyrin domain containing 3; plus strand). Cytogenetic location: 1q44.
Variant type: single nucleotide variant.
Coding change: c.2761A>G on transcript NM_001243133.2 (MANE Select); coding-DNA position 2761, A replaced by G.
Protein change: p.Thr921Ala; replaces threonine 921 with alanine.
Molecular consequence: missense variant.
Genome position (GRCh38, 1-based): chr1:247,444,069, A>G. VCF-style: chr1-247444069-A-G. GRCh37 (hg19) VCF-style: chr1-247607371-A-G.
Other names: p.Thr923Ala; c.2761A>G, p.Thr921Ala (NM_001079821.3); c.2590A>G, p.Thr864Ala (NM_001127461.3, NM_001127462.3); c.2767A>G, p.Thr923Ala (NM_004895.5); c.2419A>G, p.Thr807Ala (NM_183395.3); short protein forms T923A, T921A, T807A, T864A.
Identifiers: ClinVar variation 234451 (VCV000234451.47), dbSNP rs200089542, ClinGen allele CA1495350.
Genomic context (GRCh38, chr1:247,444,069, plus strand): 5'-GCTTTGTCCTCGGTACTCAGCACTAATCAGAATCTCACGCACCTTTACCTGCGAGGCAAC[A>G]CTCTCGGAGACAAGGGGATCAAACTACTCTGTGAGGGACTCTTGCACCCCGACTGCAAGC-3'
Protein context (NP_001230062.1, residues 911-931): NLTHLYLRGN[Thr921Ala]LGDKGIKLLC